The following is an entry in ClinVar:

NM_001754.5(RUNX1):c.140_150del (p.Leu47fs)

Gene: RUNX1 (RUNX family transcription factor 1; minus strand). Cytogenetic location: 21q22.12.
Variant type: Deletion.
Coding change: c.140_150del on transcript NM_001754.5 (MANE Select); coding-DNA positions 140 to 150, 11 bases deleted (TGAGCCCAGGC).
Protein change: p.Leu47fs; shifts the reading frame from leucine 47.
Molecular consequence: frameshift variant.
Genome position (GRCh38, 1-based): chr21:34,887,044-34,887,054, GCCTGGGCTCA deleted on the plus strand (TGAGCCCAGGC on the coding strand, the reverse complement: RUNX1 is on the minus strand); deleting any 11 consecutive bases within chr21:34,887,044-34,887,056 gives the same sequence; the c. name uses the placement nearest the transcript's 3' end. VCF-style (leftmost placement, unchanged base first): chr21-34887043-TGCCTGGGCTCA-T. GRCh37 (hg19) VCF-style: chr21-36259340-TGCCTGGGCTCA-T.
Other names: NM_001754.5(RUNX1):c.140_150del; p.Leu47fs; c.59_69del, p.Leu20fs (NM_001001890.3, NM_001122607.2); short protein forms L20fs, L47fs.
Identifiers: ClinVar variation 1069299 (VCV001069299.8), dbSNP rs2146413726, ClinGen allele CA2499225885.

ClinVar aggregate classification (germline): Pathogenic. Review status: reviewed by expert panel (3 of 4 stars). 2 submissions from 2 submitters: Pathogenic (1). 1 of the submissions does not count toward it. Last evaluated 2022-07-05.

Conditions:
Hereditary thrombocytopenia and hematological cancer predisposition syndrome associated with RUNX1. Also called: PLATELET DISORDER, ASPIRIN-LIKE; Familial Platelet Disorder with Propensity to Acute Myelogenous Leukemia; Familial thrombocytopenia with propensity to acute myelogenous leukemia; RUNX1 Familial Platelet Disorder with Associated Myeloid Malignancies. Identifiers: Orphanet 71290, MedGen C1832388, MeSH C563324, MONDO:0100083, OMIM 601399.
Hereditary thrombocytopenia and hematologic cancer predisposition syndrome. Identifiers: Orphanet 71290, MedGen CN281654, MONDO:0011071.

Submissions (2):

ClinGen Myeloid Malignancy Variant Curation Expert Panel
Classification: Pathogenic for Hereditary thrombocytopenia and hematologic cancer predisposition syndrome. Last evaluated: 2022-07-05. Review status: reviewed by expert panel. Criteria: ClinGen MyeloMalig ACMG Specifications v2. Collection method: curation. Allele origin: germline. Inheritance: Autosomal dominant inheritance.
Comment: NM_001754.5(RUNX1):c.140_150del (p.Leu47fs) is a frameshift variant that is predicted to undergo nonsense mediated decay (PVS1). This variant is completely absent from all population databases with at least 20x coverage for RUNX1 (PM2_supporting). Frameshift variant downstream of c.98 (in transcript NM_001754.5) (PM5_supporting). In summary, this variant meets criteria to be classified as pathogenic. ACMG/AMP criteria applied, as specified by the Myeloid Malignancy Variant Curation Expert Panel for RUNX1: PVS1, PM2_supporting and PM5_supporting.

Labcorp Genetics (formerly Invitae), Labcorp
Classification: Pathogenic for Hereditary thrombocytopenia and hematological cancer predisposition syndrome associated with RUNX1. Last evaluated: 2023-03-01. Review status: criteria provided, single submitter. Criteria: Invitae Variant Classification Sherloc (09022015). Collection method: clinical testing. Allele origin: germline. Not counted in ClinVar's aggregate classification.
Comment: This sequence change creates a premature translational stop signal (p.Leu47Glnfs*87) in the RUNX1 gene. It is expected to result in an absent or disrupted protein product. Loss-of-function variants in RUNX1 are known to be pathogenic (PMID: 18723428, 24100448). This variant is not present in population databases (gnomAD no frequency). This variant has not been reported in the literature in individuals affected with RUNX1-related conditions. ClinVar contains an entry for this variant (Variation ID: 1069299). For these reasons, this variant has been classified as Pathogenic.

Literature cited by the submitters: PubMed 18723428 (cited by Labcorp Genetics (formerly Invitae), Labcorp); PubMed 24100448 (cited by Labcorp Genetics (formerly Invitae), Labcorp).